The following is an entry in ClinVar:

NM_002439.5(MSH3):c.3059A>T (p.Asn1020Ile)

Gene: MSH3 (mutS homolog 3; plus strand). Cytogenetic location: 5q14.1.
Variant type: single nucleotide variant.
Coding change: c.3059A>T on transcript NM_002439.5 (MANE Select); coding-DNA position 3059, A replaced by T.
Protein change: p.Asn1020Ile; replaces asparagine 1020 with isoleucine.
Molecular consequence: missense variant.
Genome position (GRCh38, 1-based): chr5:80,864,871, A>T. VCF-style: chr5-80864871-A-T. GRCh37 (hg19) VCF-style: chr5-80160690-A-T.
Other names: c.3059A>T (NM_002439.3); short protein forms N1020I.
Identifiers: ClinVar variation 856231 (VCV000856231.11), dbSNP rs1746073687, ClinGen allele CA360346260.

ClinVar aggregate classification (germline): Uncertain significance. Review status: criteria provided, multiple submitters, no conflicts (2 of 4 stars). 3 submissions from 3 submitters: Uncertain significance (3). Last evaluated 2025-11-17.

Conditions:
Hereditary cancer-predisposing syndrome. Also called: Tumor predisposition; Hereditary neoplastic syndrome; Neoplastic Syndromes, Hereditary; Hereditary Cancer Syndrome. Identifiers: Orphanet 140162, MedGen C0027672, MeSH D009386, MONDO:0015356.
Endometrial carcinoma. Also called: Endometrial carcinoma, somatic. Identifiers: MedGen C0476089, MONDO:0002447, OMIM 608089, HP:0012114.

Submissions (3):

Labcorp Genetics (formerly Invitae), Labcorp
Classification: Uncertain significance. Last evaluated: 2025-11-17. Review status: criteria provided, single submitter. Criteria: Invitae Variant Classification Sherloc (09022015). Collection method: clinical testing. Allele origin: germline.
Comment: This sequence change replaces asparagine, which is neutral and polar, with isoleucine, which is neutral and non-polar, at codon 1020 of the MSH3 protein (p.Asn1020Ile). This variant is not present in population databases (gnomAD no frequency). This variant has not been reported in the literature in individuals affected with MSH3-related conditions. ClinVar contains an entry for this variant (Variation ID: 856231). An algorithm developed to predict the effect of missense changes on protein structure and function (PolyPhen-2) suggests that this variant is likely to be tolerated. In summary, the available evidence is currently insufficient to determine the role of this variant in disease. Therefore, it has been classified as a Variant of Uncertain Significance.

Ambry Genetics
Classification: Uncertain significance for Hereditary cancer-predisposing syndrome. Last evaluated: 2024-08-05. Review status: criteria provided, single submitter. Criteria: Ambry Variant Classification Scheme 2023. Collection method: clinical testing. Allele origin: germline.
Comment: The p.N1020I variant (also known as c.3059A>T), located in coding exon 22 of the MSH3 gene, results from an A to T substitution at nucleotide position 3059. The asparagine at codon 1020 is replaced by isoleucine, an amino acid with dissimilar properties. This amino acid position is conserved. In addition, this alteration is predicted to be tolerated by in silico analysis. Based on the available evidence, the clinical significance of this variant remains unclear.

Baylor Genetics
Classification: Uncertain significance for Endometrial carcinoma. Last evaluated: 2023-12-01. Review status: criteria provided, single submitter. Criteria: ACMG Guidelines, 2015. Collection method: clinical testing. Allele origin: unknown.